The following is an entry in ClinVar:

ClinVar aggregate classification (germline): Uncertain significance. Review status: criteria provided, multiple submitters, no conflicts (2 of 4 stars). 3 submissions from 3 submitters: Uncertain significance (3). Last evaluated 2026-05-18.

Conditions:
Hereditary cancer-predisposing syndrome. Also called: Neoplastic Syndromes, Hereditary; Tumor predisposition; Hereditary neoplastic syndrome; Hereditary Cancer Syndrome. Identifiers: Orphanet 140162, MedGen C0027672, MeSH D009386, MONDO:0015356.
Hereditary diffuse gastric adenocarcinoma (HDGC). Also called: DIFFUSE GASTRIC AND LOBULAR BREAST CANCER SYNDROME. Identifiers: Orphanet 26106, MedGen C1708349, MONDO:0007648, OMIM 137215.

gnomAD v4.1: 1 of 1,613,944 alleles (0.000062%); highest among the groups gnomAD compares: Non-Finnish European, 0.000085%; no homozygotes.

Submissions (3):

Ambry Genetics
Classification: Uncertain significance for Hereditary cancer-predisposing syndrome. Last evaluated: 2026-05-18. Review status: criteria provided, single submitter. Criteria: Ambry Variant Classification Scheme 2023. Collection method: clinical testing. Allele origin: germline.
Comment: The p.R224S variant (also known as c.670C>A), located in coding exon 5 of the CDH1 gene, results from a C to A substitution at nucleotide position 670. The arginine at codon 224 is replaced by serine, an amino acid with dissimilar properties. This amino acid position is poorly conserved in available vertebrate species. In addition, this alteration is predicted to be tolerated by in silico analysis. Based on the available evidence, the clinical significance of this variant remains unclear.

Labcorp Genetics (formerly Invitae), Labcorp
Classification: Uncertain significance for Hereditary diffuse gastric adenocarcinoma. Last evaluated: 2021-04-14. Review status: criteria provided, single submitter. Criteria: Invitae Variant Classification Sherloc (09022015). Collection method: clinical testing. Allele origin: germline.
Comment: This sequence change replaces arginine with serine at codon 224 of the CDH1 protein (p.Arg224Ser). The arginine residue is weakly conserved and there is a moderate physicochemical difference between arginine and serine. In summary, the available evidence is currently insufficient to determine the role of this variant in disease. Therefore, it has been classified as a Variant of Uncertain Significance. Algorithms developed to predict the effect of missense changes on protein structure and function (SIFT, PolyPhen-2, Align-GVGD) all suggest that this variant is likely to be tolerated, but these predictions have not been confirmed by published functional studies and their clinical significance is uncertain. This variant has not been reported in the literature in individuals with CDH1-related conditions. ClinVar contains an entry for this variant (Variation ID: 142239). This variant is not present in population databases (ExAC no frequency).

Quest Diagnostics Nichols Institute San Juan Capistrano
Classification: Uncertain significance. Last evaluated: 2020-09-22. Review status: criteria provided, single submitter. Criteria: Quest Diagnostics criteria. Collection method: clinical testing. Allele origin: unknown.

NM_004360.5(CDH1):c.670C>A (p.Arg224Ser)

Gene: CDH1 (cadherin 1; plus strand). Cytogenetic location: 16q22.1.
Variant type: single nucleotide variant.
Coding change: c.670C>A on transcript NM_004360.5 (MANE Select); coding-DNA position 670, C replaced by A.
Protein change: p.Arg224Ser; replaces arginine 224 with serine.
Molecular consequence: missense variant. On other transcripts: 5 prime UTR variant (2).
Genome position (GRCh38, 1-based): chr16:68,808,831, C>A. VCF-style: chr16-68808831-C-A. GRCh37 (hg19) VCF-style: chr16-68842734-C-A.
Other names: c.670C>A (LRG_301t1); c.670C>A, p.Arg224Ser (NM_001317184.2); c.-946C>A (NM_001317185.2); c.-1150C>A (NM_001317186.2); short protein forms R224S.
Identifiers: ClinVar variation 142239 (VCV000142239.16), dbSNP rs200310662, ClinGen allele CA167838.